The following is an entry in ClinVar:

ClinVar aggregate classification (germline): Likely benign. Review status: criteria provided, multiple submitters, no conflicts (2 of 4 stars). 2 submissions from 2 submitters: Likely benign (2). Last evaluated 2018-06-18.

Allele frequency attached by ClinVar (database versions not stated): 1000 Genomes Project 30x 0.00828; 1000 Genomes Project 0.00839; gnomAD 0.01059 and 0.01097; TOPMed 0.01122; gnomAD exomes 0.01323.
gnomAD v4.1: 13,720 of 1,072,684 alleles (1.3%); highest among the groups gnomAD compares: Non-Finnish European, 1.6%; 102 homozygotes.

Submissions (2):

GeneDx
Classification: Likely benign. Last evaluated: 2018-06-18. Review status: criteria provided, single submitter. Criteria: GeneDx Variant Classification (06012015). Collection method: clinical testing. Allele origin: germline. Affected: yes.
Comment: This variant is considered likely benign or benign based on one or more of the following criteria: it is a conservative change, it occurs at a poorly conserved position in the protein, it is predicted to be benign by multiple in silico algorithms, and/or has population frequency not consistent with disease.

Breakthrough Genomics
Classification: Likely benign. Review status: criteria provided, single submitter. Criteria: ACMG Guidelines, 2015. Collection method: not provided. Allele origin: germline. Inheritance: Autosomal recessive inheritance. Affected: yes.

NM_133642.5(LARGE1):c.2074-98G>C

Gene: LARGE1 (LARGE xylosyl- and glucuronyltransferase 1; minus strand). Cytogenetic location: 22q12.3.
Variant type: single nucleotide variant.
Coding change: c.2074-98G>C on transcript NM_133642.5 (MANE Select); 98 bases into the intron before coding-DNA position 2074, G replaced by C.
Molecular consequence: intron variant.
Genome position (GRCh38, 1-based): chr22:33,274,722, C>G on the plus strand (G>C on the coding strand, the complement: LARGE1 is on the minus strand). VCF-style: chr22-33274722-C-G. GRCh37 (hg19) VCF-style: chr22-33670708-C-G.
Other names: c.2074-98G>C (NM_001362953.2, NM_001362949.2, NM_001362951.2 and 4 more transcripts); c.1927-98G>C (NM_001378627.1, NM_001378628.1); c.1918-98G>C (NM_001378629.1); c.1168-98G>C (NM_001378631.1); c.1471-98G>C (NM_001378630.1).
Identifiers: ClinVar variation 683021 (VCV000683021.2), dbSNP rs41282599, ClinGen allele CA14985142.